The following is an entry in ClinVar:

NM_012463.4(ATP6V0A2):c.806G>A (p.Arg269His)

Gene: ATP6V0A2 (ATPase H+ transporting V0 subunit a2; plus strand). Cytogenetic location: 12q24.31.
Variant type: single nucleotide variant.
Coding change: c.806G>A on transcript NM_012463.4 (MANE Select); coding-DNA position 806, G replaced by A.
Protein change: p.Arg269His; replaces arginine 269 with histidine.
Molecular consequence: missense variant.
Genome position (GRCh38, 1-based): chr12:123,735,605, G>A. VCF-style: chr12-123735605-G-A. GRCh37 (hg19) VCF-style: chr12-124220152-G-A.
Other names: short protein forms R269H.
Identifiers: ClinVar variation 1309176 (VCV001309176.3), dbSNP rs1295585374, ClinGen allele CA387154083.

ClinVar aggregate classification (germline): Uncertain significance. Review status: criteria provided, multiple submitters, no conflicts (2 of 4 stars). 2 submissions from 2 submitters: Uncertain significance (2). Last evaluated 2022-01-11.

Allele frequency attached by ClinVar (database versions not stated): gnomAD exomes 0.00001.
gnomAD v4.1: 8 of 1,613,464 alleles (0.0005%); highest among the groups gnomAD compares: Admixed American, 0.0017%; no homozygotes.

Submissions (2):

Women's Health and Genetics/Laboratory Corporation of America, LabCorp
Classification: Uncertain significance. Last evaluated: 2022-01-11. Review status: criteria provided, single submitter. Criteria: LabCorp Variant Classification Summary - May 2015. Collection method: clinical testing. Allele origin: germline.
Comment: Variant summary: ATP6V0A2 c.806G>A (p.Arg269His) results in a non-conservative amino acid change in the encoded protein sequence. Five of five in-silico tools predict a damaging effect of the variant on protein function. The variant allele was found at a frequency of 8e-06 in 251332 control chromosomes. The available data on variant occurrences in the general population are insufficient to allow any conclusion about variant significance. To our knowledge, no occurrence of c.806G>A in individuals affected with Cutis Laxa - ATP6V0A2 Related and no experimental evidence demonstrating its impact on protein function have been reported. One clinical diagnostic laboratory has submitted clinical-significance assessments for this variant to ClinVar after 2014 without evidence for independent evaluation and classified the variant as uncertain significance. Based on the evidence outlined above, the variant was classified as uncertain significance.

GeneDx
Classification: Uncertain significance. Last evaluated: 2019-10-07. Review status: criteria provided, single submitter. Criteria: GeneDx Variant Classification Process June 2021. Collection method: clinical testing. Allele origin: germline. Affected: yes.
Comment: Not observed at a significant frequency in large population cohorts (Lek et al., 2016); In silico analysis, which includes protein predictors and evolutionary conservation, supports a deleterious effect; Has not been previously published as pathogenic or benign to our knowledge